The following is an entry in ClinVar:

ClinVar aggregate classification (germline): Uncertain significance (1 of 4 stars; one submission).

Conditions:
Mitochondrial complex II deficiency, nuclear type 1. Also called: SUCCINATE CoQ REDUCTASE DEFICIENCY. Identifiers: Orphanet 3208, MedGen C5700310, MONDO:0100294, OMIM 252011.
Pheochromocytoma/paraganglioma syndrome 5. Also called: Paragangliomas 5; SDHA-Related Hereditary Paraganglioma-Pheochromocytoma Syndrome. Identifiers: Orphanet 29072, MedGen C3279992, MONDO:0013602, OMIM 614165.

Submission:

Labcorp Genetics (formerly Invitae), Labcorp
Classification: Uncertain significance for Pheochromocytoma/paraganglioma syndrome 5; Mitochondrial complex II deficiency, nuclear type 1. Last evaluated: 2023-09-19. Review status: criteria provided, single submitter. Criteria: Invitae Variant Classification Sherloc (09022015). Collection method: clinical testing. Allele origin: germline.
Comment: In summary, the available evidence is currently insufficient to determine the role of this variant in disease. Therefore, it has been classified as a Variant of Uncertain Significance. This variant, c.761_763del, results in the deletion of 1 amino acid(s) of the SDHA protein (p.Val254del), but otherwise preserves the integrity of the reading frame. This variant is not present in population databases (gnomAD no frequency). This variant has not been reported in the literature in individuals affected with SDHA-related conditions. Experimental studies and prediction algorithms are not available or were not evaluated, and the functional significance of this variant is currently unknown.

NM_004168.4(SDHA):c.758TTG[1] (p.Val254del)

Gene: SDHA (succinate dehydrogenase complex flavoprotein subunit A; plus strand). Cytogenetic location: 5p15.33.
Variant type: Microsatellite.
Coding change: c.758TTG[1] on transcript NM_004168.4 (MANE Select); one copy of the 3-base unit TTG starting at c.758; the reference has two copies in a row; one copy, 3 bases deleted.
Protein change: p.Val254del; deletes valine 254.
Molecular consequence: inframe deletion.
Genome position (GRCh38, 1-based): chr5:228,324-228,326, TTG deleted; deleting any 3 consecutive bases within chr5:228,319-228,326 gives the same sequence; the position shown is the placement nearest the transcript's 3' end. VCF-style (leftmost placement, unchanged base first): chr5-228318-CTGT-C. GRCh37 (hg19) VCF-style: chr5-228433-CTGT-C.
Other names: c.614TTG[1], p.Val206del (NM_001294332.2); c.758TTG[1], p.Val254del (NM_001330758.2); short protein forms V254del, V206del.
Identifiers: ClinVar variation 2946130 (VCV002946130.3), dbSNP rs2477317656, ClinGen allele CA2740091608.
Genomic context (GRCh38, chr5:228,318, plus strand): 5'-GTGGTGTCATCGCACTGTGCATAGAGGACGGGTCCATCCATCGCATAAGAGCAAAGAACA[CTGT>C]TGTTGCCACAGGGTAGGAATCTCATTTCTACTTTATTTTGTTTATAAAAATGAATAAATT-3'